The following is an entry in ClinVar:

ClinVar aggregate classification (germline): Uncertain significance (1 of 4 stars; one submission).

Conditions:
Bardet-Biedl syndrome (BBS). Identifiers: Orphanet 110, MedGen C0752166, MONDO:0015229.

Allele frequency attached by ClinVar (database versions not stated): gnomAD exomes below 0.00001; gnomAD 0.00001.
gnomAD v4.1: 2 of 1,614,020 alleles (0.00012%); highest among the groups gnomAD compares: African/African-American, 0.0013%; no homozygotes.

Submission:

Labcorp Genetics (formerly Invitae), Labcorp
Classification: Uncertain significance for Bardet-Biedl syndrome. Last evaluated: 2022-07-26. Review status: criteria provided, single submitter. Criteria: Invitae Variant Classification Sherloc (09022015). Collection method: clinical testing. Allele origin: germline.
Comment: ClinVar contains an entry for this variant (Variation ID: 850161). This variant has not been reported in the literature in individuals affected with BBS12-related conditions. This variant is not present in population databases (gnomAD no frequency). This sequence change replaces alanine, which is neutral and non-polar, with serine, which is neutral and polar, at codon 554 of the BBS12 protein (p.Ala554Ser). Algorithms developed to predict the effect of missense changes on protein structure and function (SIFT, PolyPhen-2, Align-GVGD) all suggest that this variant is likely to be tolerated. In summary, the available evidence is currently insufficient to determine the role of this variant in disease. Therefore, it has been classified as a Variant of Uncertain Significance.

NM_152618.3(BBS12):c.1660G>T (p.Ala554Ser)

Gene: BBS12 (Bardet-Biedl syndrome 12; plus strand). Cytogenetic location: 4q27.
Variant type: single nucleotide variant.
Coding change: c.1660G>T on transcript NM_152618.3 (MANE Select); coding-DNA position 1660, G replaced by T.
Protein change: p.Ala554Ser; replaces alanine 554 with serine.
Molecular consequence: missense variant.
Genome position (GRCh38, 1-based): chr4:122,743,552, G>T. VCF-style: chr4-122743552-G-T. GRCh37 (hg19) VCF-style: chr4-123664707-G-T.
Other names: c.1660G>T, p.Ala554Ser (NM_001178007.2); short protein forms A554S.
Identifiers: ClinVar variation 850161 (VCV000850161.6), dbSNP rs1800929603, ClinGen allele CA358225606.